The following is an entry in ClinVar:

ClinVar aggregate classification (germline): Uncertain significance. Review status: criteria provided, multiple submitters, no conflicts (2 of 4 stars). 2 submissions from 2 submitters: Uncertain significance (2). Last evaluated 2025-05-12.

Allele frequency attached by ClinVar (database versions not stated): gnomAD 0.00002; gnomAD exomes 0.00005; ExAC 0.00007.
gnomAD v4.1: 72 of 1,566,004 alleles (0.0046%); highest among the groups gnomAD compares: South Asian, 0.079%; no homozygotes.

Submissions (2):

Labcorp Genetics (formerly Invitae), Labcorp
Classification: Uncertain significance. Last evaluated: 2025-05-12. Review status: criteria provided, single submitter. Criteria: Invitae Variant Classification Sherloc (09022015). Collection method: clinical testing. Allele origin: germline.
Comment: This sequence change replaces leucine, which is neutral and non-polar, with proline, which is neutral and non-polar, at codon 422 of the IL12RB2 protein (p.Leu422Pro). This variant is present in population databases (rs757066292, gnomAD 0.06%), and has an allele count higher than expected for a pathogenic variant. This variant has not been reported in the literature in individuals affected with IL12RB2-related conditions. ClinVar contains an entry for this variant (Variation ID: 1928481). An algorithm developed to predict the effect of missense changes on protein structure and function (PolyPhen-2) suggests that this variant is likely to be tolerated. In summary, the available evidence is currently insufficient to determine the role of this variant in disease. Therefore, it has been classified as a Variant of Uncertain Significance.

Ambry Genetics
Classification: Uncertain significance. Last evaluated: 2023-09-25. Review status: criteria provided, single submitter. Criteria: Ambry Variant Classification Scheme 2023. Collection method: clinical testing. Allele origin: germline.

NM_001374259.2(IL12RB2):c.1265T>C (p.Leu422Pro)

Gene: IL12RB2 (interleukin 12 receptor subunit beta 2; plus strand). Cytogenetic location: 1p31.3.
Variant type: single nucleotide variant.
Coding change: c.1265T>C on transcript NM_001374259.2 (MANE Select); coding-DNA position 1265, T replaced by C.
Protein change: p.Leu422Pro; replaces leucine 422 with proline.
Molecular consequence: missense variant. On other transcripts: non-coding transcript variant (2).
Genome position (GRCh38, 1-based): chr1:67,367,831, T>C. VCF-style: chr1-67367831-T-C. GRCh37 (hg19) VCF-style: chr1-67833514-T-C.
Other names: c.1265T>C, p.Leu422Pro (NM_001258214.1, NM_001258215.1, NM_001258216.1 and 2 more transcripts); c.1265T>C (NM_001559.2); short protein forms L422P.
Identifiers: ClinVar variation 1928481 (VCV001928481.6), dbSNP rs757066292, ClinGen allele CA900458.